The following is an entry in ClinVar:

NM_014915.3(ANKRD26):c.4651G>C (p.Glu1551Gln)

Gene: ANKRD26 (ankyrin repeat domain 26; minus strand). Cytogenetic location: 10p12.1.
Variant type: single nucleotide variant.
Coding change: c.4651G>C on transcript NM_014915.3 (MANE Select); coding-DNA position 4651, G replaced by C.
Protein change: p.Glu1551Gln; replaces glutamic acid 1551 with glutamine.
Molecular consequence: missense variant.
Genome position (GRCh38, 1-based): chr10:27,014,567, C>G on the plus strand (G>C on the coding strand, the complement: ANKRD26 is on the minus strand). VCF-style: chr10-27014567-C-G. GRCh37 (hg19) VCF-style: chr10-27303496-C-G.
Other names: c.4648G>C, p.Glu1550Gln (NM_001256053.2); short protein forms E1551Q, E1550Q.
Identifiers: ClinVar variation 4842363 (VCV004842363.1).
Genomic context (GRCh38, chr10:27,014,567, plus strand): 5'-TTGACAAAGATTTTCTAACTTTTAATTCTTCTAGATAGAGTTGCTTATATTTTTCCAGTT[C>G]GGTTTTATTAAAGTCTTCTTGAGAAGTTTTTATTTTGGAGAGTTCAGATTCCAGATCTTT-3'
Protein context (NP_055730.2, residues 1541-1561): KTSQEDFNKT[Glu1551Gln]LEKYKQLYLE

ClinVar aggregate classification (germline): Uncertain significance (1 of 4 stars; one submission).

Conditions:
Inborn genetic diseases. Identifiers: MedGen C0950123, MeSH D030342.

Submission:

Ambry Genetics
Classification: Uncertain significance for Inborn genetic diseases. Last evaluated: 2026-01-06. Review status: criteria provided, single submitter. Criteria: Ambry Variant Classification Scheme 2023. Collection method: clinical testing. Allele origin: germline.
Comment: The p.E1551Q variant (also known as c.4651G>C), located in coding exon 31 of the ANKRD26 gene, results from a G to C substitution at nucleotide position 4651. The glutamic acid at codon 1551 is replaced by glutamine, an amino acid with highly similar properties. This amino acid position is conserved. In addition, this alteration is predicted to be tolerated by in silico analysis. Based on the available evidence, the clinical significance of this variant remains unclear.